The following is an entry in ClinVar:

NM_014855.3(AP5Z1):c.164C>T (p.Thr55Met)

Gene: AP5Z1 (adaptor related protein complex 5 subunit zeta 1; plus strand). Cytogenetic location: 7p22.1.
Variant type: single nucleotide variant.
Coding change: c.164C>T on transcript NM_014855.3 (MANE Select); coding-DNA position 164, C replaced by T.
Protein change: p.Thr55Met; replaces threonine 55 with methionine.
Molecular consequence: missense variant. On other transcripts: 5 prime UTR variant (1), non-coding transcript variant (1).
Genome position (GRCh38, 1-based): chr7:4,781,297, C>T. VCF-style: chr7-4781297-C-T. GRCh37 (hg19) VCF-style: chr7-4820928-C-T.
Other names: p.Thr55Met; c.164C>T (NM_014855.2); c.-118C>T (NM_001364858.1); short protein forms T55M.
Identifiers: ClinVar variation 1450688 (VCV001450688.12), dbSNP rs182694738, ClinGen allele CA4137065.

ClinVar aggregate classification (germline): Uncertain significance. Review status: criteria provided, multiple submitters, no conflicts (2 of 4 stars). 4 submissions from 4 submitters: Uncertain significance (4). Last evaluated 2024-08-06.

Conditions:
Hereditary spastic paraplegia 48. Also called: SPASTIC PARAPLEGIA 48, AUTOSOMAL RECESSIVE; Spastic paraplegia 48. Identifiers: Orphanet 306511, MedGen C3150901, MONDO:0013342, OMIM 613647.

Allele frequency attached by ClinVar (database versions not stated): gnomAD 0.00003 and 0.00005; gnomAD exomes 0.00004 and 0.00019; TOPMed 0.00012; ExAC 0.00015; 1000 Genomes Project 0.00040; 1000 Genomes Project 30x 0.00078.
gnomAD v4.1: 64 of 1,613,562 alleles (0.004%); highest among the groups gnomAD compares: Admixed American, 0.052%; no homozygotes.

Submissions (4):

Labcorp Genetics (formerly Invitae), Labcorp
Classification: Uncertain significance for Hereditary spastic paraplegia 48. Last evaluated: 2024-08-06. Review status: criteria provided, single submitter. Criteria: Invitae Variant Classification Sherloc (09022015). Collection method: clinical testing. Allele origin: germline.
Comment: This sequence change replaces threonine, which is neutral and polar, with methionine, which is neutral and non-polar, at codon 55 of the AP5Z1 protein (p.Thr55Met). This variant is present in population databases (rs182694738, gnomAD 0.09%). This missense change has been observed in individual(s) with clinical features of hereditary spastic paraplegia (PMID: 31289639). ClinVar contains an entry for this variant (Variation ID: 1450688). Advanced modeling of protein sequence and biophysical properties (such as structural, functional, and spatial information, amino acid conservation, physicochemical variation, residue mobility, and thermodynamic stability) performed at Invitae indicates that this missense variant is not expected to disrupt AP5Z1 protein function with a negative predictive value of 80%. Experimental studies have shown that this missense change affects AP5Z1 function (PMID: 31289639). In summary, the available evidence is currently insufficient to determine the role of this variant in disease. Therefore, it has been classified as a Variant of Uncertain Significance.

GeneDx
Classification: Uncertain significance. Last evaluated: 2024-06-25. Review status: criteria provided, single submitter. Criteria: GeneDx Variant Classification Process June 2021. Collection method: clinical testing. Allele origin: germline. Affected: yes.
Comment: Reported with a second variant (phase unknown) in a patient with hereditary spastic paraplegia in published literature (PMID: 31289639); Published functional studies demonstrate this variant is associated with significant reduction in expression level and morphological changes (PMID: 31289639); In silico analysis supports that this missense variant has a deleterious effect on protein structure/function; This variant is associated with the following publications: (PMID: 31289639)

Mayo Clinic Laboratories, Mayo Clinic
Classification: Uncertain significance. Last evaluated: 2024-01-03. Review status: criteria provided, single submitter. Criteria: ACMG Guidelines, 2015. Collection method: clinical testing. Allele origin: germline. Observed: 1 variant allele.
Comment: PM2_moderate, PS3

AiLife Diagnostics
Classification: Uncertain significance. Last evaluated: 2020-05-14. Review status: criteria provided, single submitter. Criteria: ACMG Guidelines, 2015. Collection method: clinical testing. Allele origin: germline. Affected: yes. Observed: 1 variant allele.

Literature cited by the submitters: PubMed 31289639 (cited by 3 submitters); PubMed 37077568 (cited by Mayo Clinic Laboratories, Mayo Clinic).